The following is an entry in ClinVar:

ClinVar aggregate classification (germline): Pathogenic (1 of 4 stars; one submission).

Submission:

ARUP Laboratories, Molecular Genetics and Genomics, ARUP Laboratories
Classification: Pathogenic. Last evaluated: 2017-12-13. Review status: criteria provided, single submitter. Criteria: ARUP Molecular Germline Variant Investigation Process. Collection method: clinical testing. Allele origin: germline.
Comment: The ENG c.41_51del; p.Leu14fs variant has not been previously reported in the literature, and it is absent from general population databases (1000 Genomes Project, Exome Variant Server, Genome Aggregation Database). Our laboratory has previously identified this variant in individuals affected with HHT. This variant deletes 11 nucleotides causing a frameshift, and is predicted to result in a truncated protein or absent transcript. Based on the above information, this variant is considered pathogenic.

NM_001114753.3(ENG):c.41_51del (p.Leu14fs)

Gene: ENG (endoglin; minus strand). Cytogenetic location: 9q34.11.
Variant type: Deletion.
Coding change: c.41_51del on transcript NM_001114753.3 (MANE Select); coding-DNA positions 41 to 51, 11 bases deleted (TGGCCAGCTGC).
Protein change: p.Leu14fs; shifts the reading frame from leucine 14.
Molecular consequence: frameshift variant.
Genome position (GRCh38, 1-based): chr9:127,854,305-127,854,315, GCAGCTGGCCA deleted on the plus strand (TGGCCAGCTGC on the coding strand, the reverse complement: ENG is on the minus strand); deleting any 11 consecutive bases within chr9:127,854,305-127,854,320 gives the same sequence; the c. name uses the placement nearest the transcript's 3' end. VCF-style (leftmost placement, unchanged base first): chr9-127854304-TGCAGCTGGCCA-T. GRCh37 (hg19) VCF-style: chr9-130616583-TGCAGCTGGCCA-T.
Other names: c.41_51delTGGCCAGCTGC (NM_000118.3); c.36_46delGCTGCTGGCCA, p.Leu14Glnfs (NM_000118.4, NM_001406715.1); short protein forms L14fs.
Identifiers: ClinVar variation 618622 (VCV000618622.9), dbSNP rs1564466393, ClinGen allele CA913189495.